The following is an entry in ClinVar:

ClinVar aggregate classification (germline): Uncertain significance (1 of 4 stars; one submission).

Submission:

Labcorp Genetics (formerly Invitae), Labcorp
Classification: Uncertain significance. Last evaluated: 2026-01-11. Review status: criteria provided, single submitter. Criteria: Invitae Variant Classification Sherloc (09022015). Collection method: clinical testing. Allele origin: germline.
Comment: This sequence change replaces proline, which is neutral and non-polar, with serine, which is neutral and polar, at codon 249 of the SMARCB1 protein (p.Pro249Ser). This variant is not present in population databases (gnomAD no frequency). This variant has not been reported in the literature in individuals affected with SMARCB1-related conditions. ClinVar contains an entry for this variant (Variation ID: 964441). Invitae Evidence Modeling of protein sequence and biophysical properties (such as structural, functional, and spatial information, amino acid conservation, physicochemical variation, residue mobility, and thermodynamic stability) indicates that this missense variant is not expected to disrupt SMARCB1 protein function with a negative predictive value of 80%. In summary, the available evidence is currently insufficient to determine the role of this variant in disease. Therefore, it has been classified as a Variant of Uncertain Significance.

NM_003073.5(SMARCB1):c.745C>T (p.Pro249Ser)

Gene: SMARCB1 (SWI/SNF related BAF chromatin remodeling complex subunit B1; plus strand). Cytogenetic location: 22q11.23.
Variant type: single nucleotide variant.
Coding change: c.745C>T on transcript NM_003073.5 (MANE Select); coding-DNA position 745, C replaced by T.
Protein change: p.Pro249Ser; replaces proline 249 with serine.
Molecular consequence: missense variant.
Genome position (GRCh38, 1-based): chr22:23,816,886, C>T. VCF-style: chr22-23816886-C-T. GRCh37 (hg19) VCF-style: chr22-24159073-C-T.
Other names: c.718C>T, p.Pro240Ser (NM_001007468.3); c.772C>T, p.Pro258Ser (NM_001317946.2); c.799C>T, p.Pro267Ser (NM_001362877.2); short protein forms P249S, P258S, P240S, P267S.
Identifiers: ClinVar variation 964441 (VCV000964441.9), dbSNP rs1930226221, ClinGen allele CA410901646.